The following is an entry in ClinVar:

ClinVar aggregate classification (germline): Pathogenic (1 of 4 stars; one submission).

Submission:

Labcorp Genetics (formerly Invitae), Labcorp
Classification: Pathogenic. Last evaluated: 2026-01-05. Review status: criteria provided, single submitter. Criteria: Invitae Variant Classification Sherloc (09022015). Collection method: clinical testing. Allele origin: germline.
Comment: This sequence change creates a premature translational stop signal (p.Trp1065*) in the ASXL1 gene. While this is not anticipated to result in nonsense mediated decay, it is expected to disrupt the last 477 amino acid(s) of the ASXL1 protein. This variant is not present in population databases (gnomAD no frequency). This variant has not been reported in the literature in individuals affected with ASXL1-related conditions. ClinVar contains an entry for this variant (Variation ID: 1381947). This variant disrupts a region of the ASXL1 protein in which other variant(s) (p.Arg1415*) have been determined to be pathogenic (PMID: 30806792). This suggests that this is a clinically significant region of the protein, and that variants that disrupt it are likely to be disease-causing. For these reasons, this variant has been classified as Pathogenic.

Literature cited by the submitters: PubMed 30806792.

NM_015338.6(ASXL1):c.3194G>A (p.Trp1065Ter)

Gene: ASXL1 (ASXL transcriptional regulator 1; plus strand). Cytogenetic location: 20q11.21.
Variant type: single nucleotide variant.
Coding change: c.3194G>A on transcript NM_015338.6 (MANE Select); coding-DNA position 3194, G replaced by A.
Protein change: p.Trp1065Ter; replaces tryptophan 1065 with a stop codon.
Molecular consequence: nonsense.
Genome position (GRCh38, 1-based): chr20:32,435,906, G>A. VCF-style: chr20-32435906-G-A. GRCh37 (hg19) VCF-style: chr20-31023709-G-A.
Other names: c.3011G>A, p.Trp1004Ter (NM_001363734.1); short protein forms W1004*, W1065*.
Identifiers: ClinVar variation 1381947 (VCV001381947.8), dbSNP rs2145378635, ClinGen allele CA408562553.